The following is an entry in ClinVar:

ClinVar aggregate classification (germline): Uncertain significance (1 of 4 stars; one submission).

Submission:

CeGaT Center for Human Genetics Tuebingen
Classification: Uncertain significance. Last evaluated: 2022-04-01. Review status: criteria provided, single submitter. Criteria: CeGaT Center For Human Genetics Tuebingen Variant Classification Criteria Version 2. Collection method: clinical testing. Allele origin: germline. Affected: yes. Observed: 1 variant allele.
Comment: STAG1: PM2, PP2

NM_005862.3(STAG1):c.2402T>G (p.Ile801Ser)

Gene: STAG1 (STAG1 cohesin complex component; minus strand). Cytogenetic location: 3q22.3.
Variant type: single nucleotide variant.
Coding change: c.2402T>G on transcript NM_005862.3 (MANE Select); coding-DNA position 2402, T replaced by G.
Protein change: p.Ile801Ser; replaces isoleucine 801 with serine.
Molecular consequence: missense variant.
Genome position (GRCh38, 1-based): chr3:136,369,251, A>C on the plus strand (T>G on the coding strand, the complement: STAG1 is on the minus strand). VCF-style: chr3-136369251-A-C. GRCh37 (hg19) VCF-style: chr3-136088093-A-C.
Other names: short protein forms I801S.
Identifiers: ClinVar variation 2654175 (VCV002654175.24), dbSNP rs1937199332, ClinGen allele CA354647943.